The following is an entry in ClinVar:

NM_001349206.2(LPIN1):c.2356G>T (p.Gly786Trp)

Gene: LPIN1 (lipin 1; plus strand). Cytogenetic location: 2p25.1.
Variant type: single nucleotide variant.
Coding change: c.2356G>T on transcript NM_001349206.2 (MANE Select); coding-DNA position 2356, G replaced by T.
Protein change: p.Gly786Trp; replaces glycine 786 with tryptophan.
Molecular consequence: missense variant. On other transcripts: non-coding transcript variant (1).
Genome position (GRCh38, 1-based): chr2:11,815,194, G>T. VCF-style: chr2-11815194-G-T. GRCh37 (hg19) VCF-style: chr2-11955320-G-T.
Other names: c.2266G>T, p.Gly756Trp (NM_001261427.3); c.2503G>T, p.Gly835Trp (NM_001261428.3); c.2248G>T, p.Gly750Trp (NM_001349199.2, NM_145693.4); c.2326G>T, p.Gly776Trp (NM_001349200.2, NM_001349201.2); c.2353G>T, p.Gly785Trp (NM_001349202.2, NM_001349203.2); c.2356G>T, p.Gly786Trp (NM_001349204.2, NM_001349205.2); c.2446G>T, p.Gly816Trp (NM_001349207.2); c.2395G>T, p.Gly799Trp (NM_001349208.2); short protein forms G786W, G750W, G785W, G776W, G816W, G835W, G756W, G799W.
Identifiers: ClinVar variation 1900921 (VCV001900921.5), dbSNP rs2546249395, ClinGen allele CA345858565.
Genomic context (GRCh38, chr2:11,815,194, plus strand): 5'-GCGGACATGACGCGGGGCTACCTGCACTGGGTCAACGAGAGGGGCACGGTGCTGCCCCAG[G>T]GGCCCCTGCTGCTGAGTCCCAGCAGCCTCTTCTCTGCCCTGCACAGGTACCAGGCCTGCT-3'
Protein context (NP_001336135.1, residues 776-796): VNERGTVLPQ[Gly786Trp]PLLLSPSSLF

ClinVar aggregate classification (germline): Uncertain significance (1 of 4 stars; one submission).

Submission:

Labcorp Genetics (formerly Invitae), Labcorp
Classification: Uncertain significance. Last evaluated: 2022-06-14. Review status: criteria provided, single submitter. Criteria: Invitae Variant Classification Sherloc (09022015). Collection method: clinical testing. Allele origin: germline.
Comment: This variant has not been reported in the literature in individuals affected with LPIN1-related conditions. This variant is not present in population databases (gnomAD no frequency). This sequence change replaces glycine, which is neutral and non-polar, with tryptophan, which is neutral and slightly polar, at codon 750 of the LPIN1 protein (p.Gly750Trp). Algorithms developed to predict the effect of missense changes on protein structure and function (SIFT, PolyPhen-2, Align-GVGD) all suggest that this variant is likely to be disruptive. In summary, the available evidence is currently insufficient to determine the role of this variant in disease. Therefore, it has been classified as a Variant of Uncertain Significance.